The following is an entry in ClinVar:

NM_001372044.2(SHANK3):c.3636C>G (p.Asp1212Glu)

Gene: SHANK3 (SH3 and multiple ankyrin repeat domains 3; plus strand). Cytogenetic location: 22q13.33.
Variant type: single nucleotide variant.
Coding change: c.3636C>G on transcript NM_001372044.2 (MANE Select); coding-DNA position 3636, C replaced by G.
Protein change: p.Asp1212Glu; replaces aspartic acid 1212 with glutamic acid.
Molecular consequence: missense variant.
Genome position (GRCh38, 1-based): chr22:50,721,244, C>G. VCF-style: chr22-50721244-C-G. GRCh37 (hg19) VCF-style: chr22-51159672-C-G.
Other names: c.3411C>G (NM_033517.1); short protein forms D1212E.
Identifiers: ClinVar variation 1699576 (VCV001699576.2), dbSNP rs2146831187, ClinGen allele CA515261550.
Genomic context (GRCh38, chr22:50,721,244, plus strand): 5'-AGCTCTGGCCTCCCAGGCGCCCTCCCGGTCCCCCACACCCGTGCACAGTCCCGACGCCGA[C>G]CGCCCCGGACCCCTGTTTGTGGATGTACAGGCCCGGGACCCAGAGCGAGGGTCCCTGGCT-3'
Protein context (NP_001358973.1, residues 1202-1222): SPTPVHSPDA[Asp1212Glu]RPGPLFVDVQ

ClinVar aggregate classification (germline): Uncertain significance (1 of 4 stars; one submission).

Submission:

GeneDx
Classification: Uncertain significance. Last evaluated: 2022-01-27. Review status: criteria provided, single submitter. Criteria: GeneDx Variant Classification Process June 2021. Collection method: clinical testing. Allele origin: germline. Affected: yes.
Comment: Not observed at significant frequency in large population cohorts (gnomAD); In silico analysis supports that this missense variant has a deleterious effect on protein structure/function; Has not been previously published as pathogenic or benign to our knowledge